The following is an entry in ClinVar:

NM_032806.6(POMGNT2):c.1042C>T (p.Gln348Ter)

Gene: POMGNT2 (protein O-linked mannose N-acetylglucosaminyltransferase 2 (beta 1,4-); minus strand). Cytogenetic location: 3p22.1.
Variant type: single nucleotide variant.
Coding change: c.1042C>T on transcript NM_032806.6 (MANE Select); coding-DNA position 1042, C replaced by T.
Protein change: p.Gln348Ter; replaces glutamine 348 with a stop codon.
Molecular consequence: nonsense.
Genome position (GRCh38, 1-based): chr3:43,080,390, G>A on the plus strand (C>T on the coding strand, the complement: POMGNT2 is on the minus strand). VCF-style: chr3-43080390-G-A. GRCh37 (hg19) VCF-style: chr3-43121882-G-A.
Other names: short protein forms Q348*.
Identifiers: ClinVar variation 660661 (VCV000660661.5), dbSNP rs1021357430, ClinGen allele CA74243146.
Genomic context (GRCh38, chr3:43,080,390, plus strand): 5'-CATATGGGAAGAGCTCTACCACAGTTGCCCCACGGGGCAGGAAGAGGGTGGTGACCAGCT[G>A]GGCCCCATGCATGCTGACCAGCATGGAGGCATTGCTGACCAGCCGCACGACATCAGCAAA-3'

ClinVar aggregate classification (germline): Pathogenic (1 of 4 stars; one submission).

Conditions:
Muscular dystrophy-dystroglycanopathy (congenital with brain and eye anomalies), type a, 8 (MDDGA8). Also called: WALKER-WARBURG SYNDROME OR MUSCLE-EYE-BRAIN DISEASE, GTDC2-RELATED. Identifiers: Orphanet 899, MedGen C3553813, MONDO:0013904, OMIM 614830.

Allele frequency attached by ClinVar (database versions not stated): gnomAD exomes below 0.00001; TOPMed 0.00001.
gnomAD v4.1: 1 of 1,614,154 alleles (0.000062%); highest among the groups gnomAD compares: Admixed American, 0.0017%; no homozygotes.

Submission:

Labcorp Genetics (formerly Invitae), Labcorp
Classification: Pathogenic for Muscular dystrophy-dystroglycanopathy (congenital with brain and eye anomalies), type a, 8. Last evaluated: 2025-12-01. Review status: criteria provided, single submitter. Criteria: Invitae Variant Classification Sherloc (09022015). Collection method: clinical testing. Allele origin: germline.
Comment: This sequence change creates a premature translational stop signal (p.Gln348*) in the POMGNT2 gene. While this is not anticipated to result in nonsense mediated decay, it is expected to disrupt the last 233 amino acid(s) of the POMGNT2 protein. This variant is present in population databases (no rsID available, gnomAD 0.003%). This premature translational stop signal has been observed in individual(s) with clinical features of Walker-Warburg syndrome (internal data). ClinVar contains an entry for this variant (Variation ID: 660661). This variant disrupts a region of the POMGNT2 protein in which other variant(s) (p.Glu519*) have been determined to be pathogenic (internal data). This suggests that this is a clinically significant region of the protein, and that variants that disrupt it are likely to be disease-causing. For these reasons, this variant has been classified as Pathogenic.